The following is an entry in ClinVar:

ClinVar aggregate classification (germline): Benign. Review status: criteria provided, multiple submitters, no conflicts (2 of 4 stars). 6 submissions from 5 submitters: Benign (6). Last evaluated 2026-01-31.

Conditions:
Syndactyly. Also called: Webbed fingers or toes. Identifiers: MedGen C0039075, MONDO:0021002, HP:0001159.
Spondylocostal dysostosis 1, autosomal recessive (SCDO1). Also called: DLL3-Related Spondylocostal Dysostosis, Autosomal Recessive. Identifiers: Orphanet 2311, MedGen CN032975, MONDO:0020692, OMIM 277300.

Allele frequency attached by ClinVar (database versions not stated): ExAC 0.00206; 1000 Genomes Project 0.00499; 1000 Genomes Project 30x 0.00515; gnomAD exomes 0.00182; ESP Exome Variant Server 0.00630; gnomAD 0.00675 and 0.00724; TOPMed 0.00799.

Submissions (6):

Labcorp Genetics (formerly Invitae), Labcorp
Classification: Benign. Last evaluated: 2026-01-31. Review status: criteria provided, single submitter. Criteria: Invitae Variant Classification Sherloc (09022015). Collection method: clinical testing. Allele origin: germline.

ARUP Laboratories, Molecular Genetics and Genomics, ARUP Laboratories
Classification: Benign for Spondylocostal dysostosis 1, autosomal recessive. Last evaluated: 2023-10-16. Review status: criteria provided, single submitter. Criteria: ARUP Molecular Germline Variant Investigation Process 2024. Collection method: clinical testing. Allele origin: germline.

Illumina Laboratory Services, Illumina
Classification: Benign for Spondylocostal dysostosis 1, autosomal recessive. Last evaluated: 2017-04-28. Review status: criteria provided, single submitter. Criteria: ICSL Variant Classification Criteria 13 December 2019. Collection method: clinical testing. Allele origin: germline.
Comment: This variant was observed as part of a predisposition screen in an ostensibly healthy population. A literature search was performed for the gene, cDNA change, and amino acid change (where applicable). Publications were found based on this search. The evidence from the literature, in combination with allele frequency data from public databases where available, was sufficient to rule this variant out of causing disease. Therefore, this variant is classified as benign.

Illumina Laboratory Services, Illumina
Classification: Benign for Non-syndromic syndactyly. Last evaluated: 2017-04-28. Review status: criteria provided, single submitter. Criteria: ICSL Variant Classification Criteria 13 December 2019. Collection method: clinical testing. Allele origin: germline.
Comment: This variant was observed as part of a predisposition screen in an ostensibly healthy population. A literature search was performed for the gene, cDNA change, and amino acid change (where applicable). No publications were found based on this search. Allele frequency data from public databases was too high to be consistent with this variant causing disease. Therefore, this variant is classified as benign.

GeneDx
Classification: Benign. Last evaluated: 2016-10-24. Review status: criteria provided, single submitter. Criteria: GeneDx Variant Classification (06012015). Collection method: clinical testing. Allele origin: germline. Affected: yes.
Comment: This variant is considered likely benign or benign based on one or more of the following criteria: it is a conservative change, it occurs at a poorly conserved position in the protein, it is predicted to be benign by multiple in silico algorithms, and/or has population frequency not consistent with disease.

Breakthrough Genomics
Classification: Benign. Review status: criteria provided, single submitter. Criteria: ACMG Guidelines, 2015. Collection method: not provided. Allele origin: germline. Inheritance: Autosomal recessive inheritance. Affected: yes.

Literature cited by the submitters: PubMed 15717203 (cited by Illumina Laboratory Services, Illumina).

NM_203486.3(DLL3):c.674G>A (p.Ser225Asn)

Gene: DLL3 (delta like canonical Notch ligand 3; plus strand). Cytogenetic location: 19q13.2.
Variant type: single nucleotide variant.
Coding change: c.674G>A on transcript NM_203486.3 (MANE Select); coding-DNA position 674, G replaced by A.
Protein change: p.Ser225Asn; replaces serine 225 with asparagine.
Molecular consequence: missense variant.
Genome position (GRCh38, 1-based): chr19:39,504,092, G>A. VCF-style: chr19-39504092-G-A. GRCh37 (hg19) VCF-style: chr19-39994732-G-A.
Other names: c.674G>A, p.Ser225Asn (NM_016941.4); short protein forms S225N.
Identifiers: ClinVar variation 380469 (VCV000380469.22), dbSNP rs35380611, ClinGen allele CA9432248.